The following is an entry in ClinVar:

NM_001278716.2(FBXL4):c.1622C>T (p.Thr541Ile)

Gene: FBXL4 (F-box and leucine rich repeat protein 4; minus strand). Cytogenetic location: 6q16.1.
Variant type: single nucleotide variant.
Coding change: c.1622C>T on transcript NM_001278716.2 (MANE Select); coding-DNA position 1622, C replaced by T.
Protein change: p.Thr541Ile; replaces threonine 541 with isoleucine.
Molecular consequence: missense variant. On other transcripts: non-coding transcript variant (1).
Genome position (GRCh38, 1-based): chr6:98,875,495, G>A on the plus strand (C>T on the coding strand, the complement: FBXL4 is on the minus strand). VCF-style: chr6-98875495-G-A. GRCh37 (hg19) VCF-style: chr6-99323371-G-A.
Other names: c.1622C>T, p.Thr541Ile (NM_012160.5); short protein forms T541I.
Identifiers: ClinVar variation 437481 (VCV000437481.3), dbSNP rs1391578014, ClinGen allele CA16020675.

ClinVar aggregate classification (germline): Conflicting classifications of pathogenicity. Review status: criteria provided, conflicting classifications (1 of 4 stars). 3 submissions from 3 submitters: Likely pathogenic (2); Uncertain significance (1). Last evaluated 2023-03-29.

Conditions:
FBXL4-related disorder. Also called: FBXL4-related condition.
Mitochondrial DNA depletion syndrome 13. Also called: Mitochondrial DNA depletion syndrome 13 (encephalomyopathic type); FBXL4-Related Encephalomyopathic Mitochondrial DNA Depletion Syndrome. Identifiers: Orphanet 369897, MedGen C3809592, MONDO:0014198, OMIM 615471.

Allele frequency attached by ClinVar (database versions not stated): gnomAD 0.00003; TOPMed 0.00004.
gnomAD v4.1: 4 of 1,614,020 alleles (0.00025%); highest among the groups gnomAD compares: African/African-American, 0.0053%; no homozygotes.

Submissions (3):

Blueprint Genetics
Classification: Likely pathogenic for FBXL4-related disorders. Last evaluated: 2023-03-29. Review status: criteria provided, single submitter. Criteria: ACMG Guidelines, 2015. Collection method: clinical testing. Allele origin: germline. Affected: yes. Observed: 1 variant allele.

Women's Health and Genetics/Laboratory Corporation of America, LabCorp
Classification: Uncertain significance. Last evaluated: 2023-02-27. Review status: criteria provided, single submitter. Criteria: LabCorp Variant Classification Summary - May 2015. Collection method: clinical testing. Allele origin: germline.
Comment: Variant summary: FBXL4 c.1622C>T (p.Thr541Ile) results in a non-conservative amino acid change located in the Leucine-Rich Repeats (El-Hattab_2017) of the encoded protein sequence. Four of five in-silico tools predict a damaging effect of the variant on protein function. The variant was absent in 251002 control chromosomes (gnomAD). c.1622C>T has been reported in the literature in individuals affected with lactic acidemia and mitochondrial disorder (Dai_2017, El-Hattab_2017, Ballout_2019). These data indicate that the variant may be associated with disease. To our knowledge, no experimental evidence demonstrating an impact on protein function has been reported. One ClinVar submitter (evaluation after 2014) cites this variant as likely pathogenic. Based on the evidence outlined above, the variant was classified as VUS-possibly pathogenic.

Wong Mito Lab, Molecular and Human Genetics, Baylor College of Medicine
Classification: Likely pathogenic for Mitochondrial DNA depletion syndrome 13. Last evaluated: 2017-08-10. Review status: criteria provided, single submitter. Criteria: ACMG Guidelines, 2015. Collection method: clinical testing. Allele origin: germline. Affected: yes.
Comment: The NM_012160.4:c.1622C>T (NP_036292.2:p.Thr541Ile) [GRCH38: NC_000006.12:g.98875495G>A] variant in FBXL4 gene is interpretated to be a Likely Pathogenic based on ACMG guidelines (PMID: 25741868). This variant has been reported in PMID:27743463 . This variant meets one or more of the following evidence codes reported in the ACMG-guideline. PM2:This variant is absent in key population databases. PM3:Detected in trans with a pathogenic variant for Mitochondrial DNA depletion syndrome 13 which is a recessive disorder. PP2:This is a missense variant in FBXL4 with a low rate of benign and high rate of pathogenic missense variations. PP3:Computational evidence/predictors indicate the variant has deleterious effect on FBXL4 structure, function, or protein-protein interaction. PP4:Patientâ€™s phenotype or family history is highly specific for FBXL4. PP5:Reputable source(s) suggest that the variant is pathogenic. Based on this evidence code ClinGen Pathogenicity Calculator (PMID:28081714) suggested that the variant is Likely Pathogenic.

Literature cited by the submitters: PubMed 28940506 (cited by Women's Health and Genetics/Laboratory Corporation of America, LabCorp); PubMed 30804983 (cited by Women's Health and Genetics/Laboratory Corporation of America, LabCorp); PubMed 27743463 (cited by Women's Health and Genetics/Laboratory Corporation of America, LabCorp and Wong Mito Lab, Molecular and Human Genetics, Baylor College of Medicine).